The following is an entry in ClinVar:

ClinVar aggregate classification (germline): Uncertain significance (1 of 4 stars; one submission).

Conditions:
Juvenile polyposis syndrome (JPS). Identifiers: Orphanet 2929, MedGen C0345893, MONDO:0017380, OMIM 174900.

Submission:

Labcorp Genetics (formerly Invitae), Labcorp
Classification: Uncertain significance for Juvenile polyposis syndrome. Last evaluated: 2026-01-19. Review status: criteria provided, single submitter. Criteria: Invitae Variant Classification Sherloc (09022015). Collection method: clinical testing. Allele origin: germline.
Comment: This variant occurs in a non-coding region of the BMPR1A gene. It does not change the encoded amino acid sequence of the BMPR1A protein. This variant is not present in population databases (gnomAD no frequency). This variant has not been reported in the literature in individuals affected with BMPR1A-related conditions. Studies have shown that this variant is associated with altered splicing resulting in alteration to a non-coding region of the gene (internal data). In summary, the available evidence is currently insufficient to determine the role of this variant in disease. Therefore, it has been classified as a Variant of Uncertain Significance.

NM_004329.3(BMPR1A):c.-268+7776A>G

Gene: BMPR1A (bone morphogenetic protein receptor type 1A; plus strand). Cytogenetic location: 10q23.2.
Variant type: single nucleotide variant.
Coding change: c.-268+7776A>G on transcript NM_004329.3 (MANE Select); 7776 bases into the intron after 268 bases upstream of the start codon, A replaced by G.
Molecular consequence: intron variant.
Genome position (GRCh38, 1-based): chr10:86,764,695, A>G. VCF-style: chr10-86764695-A-G. GRCh37 (hg19) VCF-style: chr10-88524452-A-G.
Other names: c.-373+8591A>G (NM_001406562.1); c.-268+8591A>G (NM_001406568.1); c.-153+8591A>G (NM_001406567.1); c.-373+8732A>G (NM_001406564.1); c.-268+8732A>G (NM_001406566.1); c.-587+7776A>G (NM_001406577.1); c.-617+7776A>G (NM_001406572.1); c.-512+7776A>G (NM_001406582.1); and 20 more.
Identifiers: ClinVar variation 4735734 (VCV004735734.1).